The following is an entry in ClinVar:

NM_025114.4(CEP290):c.4754A>G (p.His1585Arg)

Gene: CEP290 (centrosomal protein 290; minus strand). Cytogenetic location: 12q21.32.
Variant type: single nucleotide variant.
Coding change: c.4754A>G on transcript NM_025114.4 (MANE Select); coding-DNA position 4754, A replaced by G.
Protein change: p.His1585Arg; replaces histidine 1585 with arginine.
Molecular consequence: missense variant.
Genome position (GRCh38, 1-based): chr12:88,083,905, T>C on the plus strand (A>G on the coding strand, the complement: CEP290 is on the minus strand). VCF-style: chr12-88083905-T-C. GRCh37 (hg19) VCF-style: chr12-88477682-T-C.
Other names: short protein forms H1585R.
Identifiers: ClinVar variation 218802 (VCV000218802.33), dbSNP rs199826787, ClinGen allele CA249309.

ClinVar aggregate classification (germline): Uncertain significance. Review status: criteria provided, multiple submitters, no conflicts (2 of 4 stars). 17 submissions from 10 submitters: Uncertain significance (16). 1 of the submissions does not count toward it. Last evaluated 2026-05-26.

Conditions:
CEP290-related disorder. Also called: CEP290-related condition; CEP290-related disorders. Identifiers: MedGen CN239314.
Inborn genetic diseases. Identifiers: MedGen C0950123, MeSH D030342.
Nephronophthisis. Also called: Juvenile Nephronophthisis. Identifiers: Orphanet 655, MedGen C0687120, MONDO:0019005, HP:0000090.
Joubert syndrome. Also called: Familial aplasia of the vermis; JOUBERT-BOLTSHAUSER SYNDROME. Identifiers: Orphanet 475, MedGen C5979921, MONDO:0018772.
Meckel-Gruber syndrome. Also called: DYSENCEPHALIA SPLANCHNOCYSTICA; GRUBER SYNDROME; Dysencephalia splachnocystica. Identifiers: Orphanet 564, MedGen C0265215, MONDO:0018921.
Leber congenital amaurosis (LCA). Also called: Leber's amaurosis. Identifiers: Orphanet 65, MedGen C0339527, MeSH D057130, MONDO:0018998.
Meckel syndrome, type 4 (MKS4). Also called: MECKEL-GRUBER SYNDROME, TYPE 4. Identifiers: Orphanet 564, MedGen C1970161, MONDO:0012626, OMIM 611134.
Bardet-Biedl syndrome 14 (BBS14). Identifiers: Orphanet 110, MedGen C2673874, MONDO:0014442, OMIM 615991.
Senior-Loken syndrome 6 (SLSN6). Identifiers: Orphanet 3156, MedGen C1857779, MONDO:0012433, OMIM 610189.
Leber congenital amaurosis 10 (LCA10). Identifiers: Orphanet 65, MedGen C1857821, MONDO:0012723, OMIM 611755.
Joubert syndrome 5 (JBTS5). Identifiers: Orphanet 2318, MedGen C1857780, MONDO:0012432, OMIM 610188.

Allele frequency attached by ClinVar (database versions not stated): gnomAD 0.00006; TOPMed 0.00011; gnomAD exomes 0.00013; ESP Exome Variant Server 0.00017; ExAC 0.00018.
gnomAD v4.1: 144 of 1,599,384 alleles (0.009%); highest among the groups gnomAD compares: Middle Eastern, 0.083%; no homozygotes.

Submissions (17):

PreventionGenetics, part of Exact Sciences
Classification: Uncertain significance for CEP290-related condition. Last evaluated: 2026-05-26. Review status: criteria provided, single submitter. Criteria: ACMG Guidelines, 2015. Collection method: clinical testing. Allele origin: germline.
Comment: The CEP290 c.4754A>G variant is predicted to result in the amino acid substitution p.His1585Arg. This variant has been reported, along with a second potentially causative variant in the same gene, in an individual with focal segmental glomerulosclerosis (Table S4, Wang et al. 2019. PubMed ID: 31308072). This variant is reported in 0.040% of alleles in individuals of Latino descent in gnomAD. At this time, the clinical significance of this variant is uncertain due to the absence of conclusive functional and genetic evidence.

GeneDx
Classification: Uncertain significance. Last evaluated: 2025-10-28. Review status: criteria provided, single submitter. Criteria: GeneDx Variant Classification Process June 2021. Collection method: clinical testing. Allele origin: germline. Affected: yes.
Comment: Identified in a patient with focal and segmental glomerulosclerosis in published literature (PMID: 31308072); In silico analysis indicates that this missense variant does not alter protein structure/function; This variant is associated with the following publications: (PMID: 31308072)

Ambry Genetics
Classification: Uncertain significance for Inborn genetic diseases. Last evaluated: 2025-05-05. Review status: criteria provided, single submitter. Criteria: Ambry Variant Classification Scheme 2023. Collection method: clinical testing. Allele origin: germline.
Comment: The c.4754A>G (p.H1585R) alteration is located in exon 36 (coding exon 35) of the CEP290 gene. This alteration results from a A to G substitution at nucleotide position 4754, causing the histidine (H) at amino acid position 1585 to be replaced by an arginine (R). The in silico prediction for the p.H1585R alteration is inconclusive. Based on insufficient or conflicting evidence, the clinical significance of this alteration remains unclear.

Labcorp Genetics (formerly Invitae), Labcorp
Classification: Uncertain significance for Joubert syndrome; Meckel-Gruber syndrome; Nephronophthisis. Last evaluated: 2024-12-09. Review status: criteria provided, single submitter. Criteria: Invitae Variant Classification Sherloc (09022015). Collection method: clinical testing. Allele origin: germline.
Comment: This sequence change replaces histidine, which is basic and polar, with arginine, which is basic and polar, at codon 1585 of the CEP290 protein (p.His1585Arg). This variant is present in population databases (rs199826787, gnomAD 0.04%). This missense change has been observed in individual(s) with focal and segmental glomerulosclerosis (PMID: 31308072). ClinVar contains an entry for this variant (Variation ID: 218802). Invitae Evidence Modeling of protein sequence and biophysical properties (such as structural, functional, and spatial information, amino acid conservation, physicochemical variation, residue mobility, and thermodynamic stability) indicates that this missense variant is expected to disrupt CEP290 protein function with a positive predictive value of 80%. In summary, the available evidence is currently insufficient to determine the role of this variant in disease. Therefore, it has been classified as a Variant of Uncertain Significance.

Blueprint Genetics
Classification: Uncertain significance. Last evaluated: 2024-10-10. Review status: criteria provided, single submitter. Criteria: ACMG Guidelines, 2015. Collection method: clinical testing. Allele origin: germline.

Genome-Nilou Lab
Classification: Uncertain significance for Bardet-Biedl syndrome 14. Last evaluated: 2021-07-14. Review status: criteria provided, single submitter. Criteria: ACMG Guidelines, 2015. Collection method: clinical testing. Allele origin: germline. Affected: no.

Genome-Nilou Lab
Classification: Uncertain significance for Joubert syndrome 5. Last evaluated: 2021-07-14. Review status: criteria provided, single submitter. Criteria: ACMG Guidelines, 2015. Collection method: clinical testing. Allele origin: germline. Affected: no.

Genome-Nilou Lab
Classification: Uncertain significance for Meckel syndrome, type 4. Last evaluated: 2021-07-14. Review status: criteria provided, single submitter. Criteria: ACMG Guidelines, 2015. Collection method: clinical testing. Allele origin: germline. Affected: no.

Genome-Nilou Lab
Classification: Uncertain significance for Senior-Loken syndrome 6. Last evaluated: 2021-07-14. Review status: criteria provided, single submitter. Criteria: ACMG Guidelines, 2015. Collection method: clinical testing. Allele origin: germline. Affected: no.

ARUP Laboratories, Molecular Genetics and Genomics, ARUP Laboratories
Classification: Uncertain significance. Last evaluated: 2018-09-27. Review status: criteria provided, single submitter. Criteria: ARUP Molecular Germline Variant Investigation Process. Collection method: clinical testing. Allele origin: germline.
Comment: The CEP290 c.4754A>G; p.His1585Arg variant (rs199826787), to our knowledge, is not reported in the medical literature or gene-specific databases. The variant is reported as a variant of uncertain significance in the ClinVar database (Variation ID: 218802) and in the general population with an overall allele frequency of 0.01% (35/257,682 alleles) in the Genome Aggregation Database. The histidine at this position is highly conserved but computational analyses (SIFT: Tolerated, PolyPhen-2:Probably Damaging) predict conflicting effects of this variant on protein structure/function. Considering available information, the clinical significance of this variant is uncertain. Pathogenic CEP290 variants are causative for autosomal recessive Leber Congenital Amaurosis (MIM: 611755), Joubert syndrome (MIM: 610188), Meckel syndrome (MIM: 611134), or Senior-Loken syndrome (MIM:610189).

Illumina Laboratory Services, Illumina
Classification: Uncertain significance for Meckel syndrome, type 4. Last evaluated: 2018-01-13. Review status: criteria provided, single submitter. Criteria: ICSL Variant Classification Criteria 13 December 2019. Collection method: clinical testing. Allele origin: germline.

Illumina Laboratory Services, Illumina
Classification: Uncertain significance for Leber congenital amaurosis 10. Last evaluated: 2018-01-13. Review status: criteria provided, single submitter. Criteria: ICSL Variant Classification Criteria 13 December 2019. Collection method: clinical testing. Allele origin: germline.

Illumina Laboratory Services, Illumina
Classification: Uncertain significance for Bardet-Biedl syndrome 14. Last evaluated: 2018-01-13. Review status: criteria provided, single submitter. Criteria: ICSL Variant Classification Criteria 13 December 2019. Collection method: clinical testing. Allele origin: germline.

Illumina Laboratory Services, Illumina
Classification: Uncertain significance for Senior-Loken syndrome 6. Last evaluated: 2018-01-13. Review status: criteria provided, single submitter. Criteria: ICSL Variant Classification Criteria 13 December 2019. Collection method: clinical testing. Allele origin: germline.

Illumina Laboratory Services, Illumina
Classification: Uncertain significance for Joubert syndrome 5. Last evaluated: 2018-01-13. Review status: criteria provided, single submitter. Criteria: ICSL Variant Classification Criteria 13 December 2019. Collection method: clinical testing. Allele origin: germline.

Genomic Diagnostic Laboratory, Division of Genomic Diagnostics, Children's Hospital of Philadelphia
Classification: Uncertain significance. Last evaluated: 2015-02-05. Review status: criteria provided, single submitter. Criteria: DGD Variant Analysis Guidelines. Collection method: clinical testing. Allele origin: unknown.

Natera, Inc.
Classification: Uncertain significance for Leber congenital amaurosis. Last evaluated: 2020-01-24. Review status: no assertion criteria provided. Collection method: clinical testing. Allele origin: germline. Not counted in ClinVar's aggregate classification.

Literature cited by the submitters: PubMed 31308072 (cited by Labcorp Genetics (formerly Invitae), Labcorp).